The following is an entry in ClinVar:

ClinVar aggregate classification (germline): Likely pathogenic. Review status: reviewed by expert panel (3 of 4 stars). 4 submissions from 4 submitters: Likely pathogenic (1). 3 of the submissions do not count toward it. Last evaluated 2024-09-24.

Conditions:
Rare genetic deafness. Identifiers: Orphanet 96210, MedGen C5680250.
Nonsyndromic genetic hearing loss. Also called: Nonsyndromic hearing loss and deafness; Nonsyndromic genetic deafness; Non-syndromic genetic deafness. Identifiers: Orphanet 87884, MedGen C5680182, MONDO:0019497.
Autosomal recessive nonsyndromic hearing loss 9. Also called: AUDITORY NEUROPATHY, AUTOSOMAL RECESSIVE, 1, TEMPERATURE-SENSITIVE; Deafness, autosomal recessive 9; OTOF-Related Hearing Loss; NEUROSENSORY NONSYNDROMIC RECESSIVE DEAFNESS 9. Identifiers: Orphanet 90636, MedGen C1832828, MONDO:0010986, OMIM 601071.

gnomAD v4.1: 1 of 1,613,896 alleles (0.000062%); no homozygotes.

Submissions (4):

ClinGen Hearing Loss Variant Curation Expert Panel
Classification: Likely pathogenic for Nonsyndromic genetic hearing loss. Last evaluated: 2024-09-24. Review status: reviewed by expert panel. Criteria: clingen hl acmg specifications otof myo15a v1. Collection method: curation. Allele origin: germline. Inheritance: Autosomal recessive inheritance.
Comment: The c.5193-1G>A variant in OTOF occurs within the canonical splice site (+/- 1,2) of exon 42/47 and is predicted to cause altered splicing. Exon 42 is in frame and exon skipping would result in loss of <10% of the OTOF protein, but LOF variants in this region are rare in the general population (PVS1_Moderate). Another variant affecting this splice acceptor site is classified as pathogenic in ClinVar by 1 laboratory (ClinVar Variation ID 2982202, SCV004642429.1). This variant has been observed in 1/1613896 of the total chromosomes in gnomAD v4, with the highest population minor allele frequency in gnomAD v4 is 0.0016% (1/62502 alleles) in the “Remaining” population, which is lower than the ClinGen Hearing Loss VCEP threshold (0.007%) for PM2_Supporting, meeting this criterion (PM2_Supporting). This variant has been detected in 2 patients with hearing loss and auditory neuropathy spectrum disorder (ANSD). In both individuals, this variant was observed with a second likely pathogenic variant, but phase was not determined (1 point, PM3, PP4; PMID: 33111345, Partners LMM internal data SCV000065263.6). In summary, this variant meets criteria to be classified as likely pathogenic for autosomal recessive nonsyndromic hearing loss based on the ACMG/AMP criteria applied as specified by the Hearing Loss Expert Panel: PVS1_Moderate, PM3, PP4, PM2_Supporting. (ClinGen Hearing Loss VCEP specifications version 1; 9/24/2024).

Labcorp Genetics (formerly Invitae), Labcorp
Classification: Likely pathogenic. Last evaluated: 2022-12-07. Review status: criteria provided, single submitter. Criteria: Invitae Variant Classification Sherloc (09022015). Collection method: clinical testing. Allele origin: germline. Not counted in ClinVar's aggregate classification.
Comment: Algorithms developed to predict the effect of sequence changes on RNA splicing suggest that this variant may disrupt the consensus splice site. This sequence change affects an acceptor splice site in intron 41 of the OTOF gene. It is expected to disrupt RNA splicing. Variants that disrupt the donor or acceptor splice site typically lead to a loss of protein function (PMID: 16199547), and loss-of-function variants in OTOF are known to be pathogenic (PMID: 18381613, 19250381, 22575033). This variant is not present in population databases (gnomAD no frequency). Disruption of this splice site has been observed in individual(s) with autosomal recessive deafness (PMID: 33111345). ClinVar contains an entry for this variant (Variation ID: 48256). In summary, the currently available evidence indicates that the variant is pathogenic, but additional data are needed to prove that conclusively. Therefore, this variant has been classified as Likely Pathogenic.

Fulgent Genetics
Classification: Pathogenic for Autosomal recessive nonsyndromic hearing loss 9. Last evaluated: 2022-04-06. Review status: criteria provided, single submitter. Criteria: ACMG Guidelines, 2015. Collection method: clinical testing. Allele origin: unknown. Not counted in ClinVar's aggregate classification.

Laboratory for Molecular Medicine, Mass General Brigham Personalized Medicine
Classification: Likely pathogenic for Rare genetic deafness. Last evaluated: 2008-03-01. Review status: criteria provided, single submitter. Criteria: LMM Criteria. Collection method: clinical testing. Allele origin: germline. Observed: 1 variant allele. Not counted in ClinVar's aggregate classification.

Literature cited by the submitters: PubMed 16199547 (cited by Labcorp Genetics (formerly Invitae), Labcorp); PubMed 18381613 (cited by Labcorp Genetics (formerly Invitae), Labcorp); PubMed 19250381 (cited by Labcorp Genetics (formerly Invitae), Labcorp); PubMed 22575033 (cited by Labcorp Genetics (formerly Invitae), Labcorp); PubMed 33111345 (cited by Labcorp Genetics (formerly Invitae), Labcorp).

NM_194248.3(OTOF):c.5193-1G>A

Gene: OTOF (otoferlin; minus strand). Cytogenetic location: 2p23.3.
Variant type: single nucleotide variant.
Coding change: c.5193-1G>A on transcript NM_194248.3 (MANE Select); the canonical splice acceptor site of the intron before coding-DNA position 5193, G replaced by A.
Molecular consequence: splice acceptor variant.
Genome position (GRCh38, 1-based): chr2:26,462,182, C>T on the plus strand (G>A on the coding strand, the complement: OTOF is on the minus strand). VCF-style: chr2-26462182-C-T. GRCh37 (hg19) VCF-style: chr2-26685050-C-T.
Other names: NM_194248.2(OTOF):c.5193-1G>A; c.5193-1G>A (NM_001287489.2); c.2892-1G>A (NM_194323.3, NM_004802.4); c.3123-1G>A (NM_194322.3).
Identifiers: ClinVar variation 48256 (VCV000048256.12), dbSNP rs111033373, ClinGen allele CA262046.
Genomic context (GRCh38, chr2:26,462,182, plus strand): 5'-AAGTCGTCGTCCTCCAAGACCACCTCATCTGTGTTCCAGATGATGACCCGCAGCTCGTAC[C>T]TGGGCCCAGGGAGAGAAGGCTGGTTAGCAGCCCCAGGTGGGGGTTATGCCAGGGTGCCAG-3'